The following is an entry in ClinVar:

NM_007294.4(BRCA1):c.2926_2941dup (p.Pro981fs)

Gene: BRCA1 (BRCA1 DNA repair associated; minus strand). Cytogenetic location: 17q21.31.
Variant type: Duplication.
Coding change: c.2926_2941dup on transcript NM_007294.4 (MANE Select); coding-DNA positions 2926 to 2941, 16 bases duplicated (AACCCATATCGTATAC).
Protein change: p.Pro981fs; shifts the reading frame from proline 981.
Molecular consequence: frameshift variant. On other transcripts: intron variant (137).
Genome position (GRCh38, 1-based): chr17:43,092,590-43,092,605, GTATACGATATGGGTT duplicated on the plus strand (AACCCATATCGTATAC on the coding strand, the reverse complement: BRCA1 is on the minus strand). VCF-style (leftmost placement, unchanged base first): chr17-43092589-G-GGTATACGATATGGGTT. GRCh37 (hg19) VCF-style: chr17-41244606-G-GGTATACGATATGGGTT.
Other names: c.2713_2728dup, p.Pro910fs (NM_001407571.1, NM_001407853.1, NM_001407894.1 and 9 more transcripts); c.2926_2941dup, p.Pro981fs (NM_001407581.1, NM_001407582.1, NM_001407583.1 and 30 more transcripts); c.2923_2938dup, p.Pro980fs (NM_001407587.1, NM_001407590.1, NM_001407610.1 and 22 more transcripts); c.2926_2941dupAACCCATATCGTATAC (NM_007294.3); c.2917_2932dup, p.Pro978fs (NM_001407646.1, NM_001407647.1); c.2803_2818dup, p.Pro940fs (NM_001407648.1, NM_001407664.1, NM_001407665.1 and 19 more transcripts); c.2845_2860dup, p.Pro954fs (NM_001407660.1, NM_001407661.1, NM_001407662.1 and 1 more transcripts); c.2848_2863dup, p.Pro955fs (NM_001407663.1, NM_001407653.1, NM_001407654.1 and 4 more transcripts); and 42 more; short protein forms P934fs, P981fs, P892fs, P913fs, P914fs, P939fs, P978fs, P685fs.
Identifiers: ClinVar variation 993202 (VCV000993202.3), dbSNP rs2053667627, ClinGen allele CA1139665623.
Genomic context (GRCh38, chr17:43,092,589, plus strand): 5'-TCCTCTAGCAGATTTTTCTTACATTTAGTTTTAACAAATGACTTGATGGGAAAAAGTGGT[G>GGTATACGATATGGGTT]GTATACGATATGGGTTTTGTAAAAGTCCATGTTTATTTGGAGTAATGAGTCCAGTTTCGT-3'

ClinVar aggregate classification (germline): Pathogenic/Likely pathogenic. Review status: criteria provided, multiple submitters, no conflicts (2 of 4 stars). 2 submissions from 2 submitters: Pathogenic (1); Likely pathogenic (1). Last evaluated 2026-01-06.

Conditions:
Hereditary cancer-predisposing syndrome. Also called: Tumor predisposition; Hereditary neoplastic syndrome; Hereditary Cancer Syndrome; Neoplastic Syndromes, Hereditary. Identifiers: Orphanet 140162, MedGen C0027672, MeSH D009386, MONDO:0015356.

Submissions (2):

Ambry Genetics
Classification: Pathogenic for Hereditary cancer-predisposing syndrome. Last evaluated: 2026-01-06. Review status: criteria provided, single submitter. Criteria: Ambry Variant Classification Scheme 2023. Collection method: clinical testing. Allele origin: germline.
Comment: The c.2926_2941dup16 variant, located in coding exon 9 of the BRCA1 gene, results from a duplication of AACCCATATCGTATAC at nucleotide position 2926, causing a translational frameshift with a predicted alternate stop codon (p.P981Qfs*16). This variant is considered to be rare based on population cohorts in the Genome Aggregation Database (gnomAD). This alteration is expected to result in loss of function by premature protein truncation or nonsense-mediated mRNA decay. As such, this alteration is interpreted as a disease-causing mutation.

Quest Diagnostics Nichols Institute San Juan Capistrano
Classification: Likely pathogenic. Last evaluated: 2019-11-03. Review status: criteria provided, single submitter. Criteria: Quest Diagnostics criteria. Collection method: clinical testing. Allele origin: unknown.
Comment: The variant results in a shift of the reading frame, and is therefore predicted to result in the loss of a functional protein. Not found in the total gnomAD dataset, and the data is high quality.